The following is an entry in ClinVar:

ClinVar aggregate classification (germline): Uncertain significance. Review status: criteria provided, multiple submitters, no conflicts (2 of 4 stars). 4 submissions from 4 submitters: Uncertain significance (3). 1 of the submissions does not count toward it. Last evaluated 2026-01-19.

Conditions:
Hereditary cancer-predisposing syndrome. Also called: Hereditary neoplastic syndrome; Hereditary Cancer Syndrome; Neoplastic Syndromes, Hereditary; Tumor predisposition. Identifiers: Orphanet 140162, MedGen C0027672, MeSH D009386, MONDO:0015356.
Neuroblastoma, susceptibility to, 3. Also called: ALK-Related Neuroblastic Tumor Susceptibility. Identifiers: Orphanet 635, MedGen C2751681, MONDO:0013083, OMIM 613014.

Allele frequency attached by ClinVar (database versions not stated): gnomAD 0.00001 and 0.00002; ExAC 0.00002; TOPMed 0.00004; 1000 Genomes Project 30x 0.00016; gnomAD exomes 0.00001 and 0.00002; 1000 Genomes Project 0.00020.
gnomAD v4.1: 9 of 1,614,096 alleles (0.00056%); highest among the groups gnomAD compares: Admixed American, 0.0083%; no homozygotes.

Submissions (4):

Labcorp Genetics (formerly Invitae), Labcorp
Classification: Uncertain significance for Neuroblastoma, susceptibility to, 3. Last evaluated: 2026-01-19. Review status: criteria provided, single submitter. Criteria: Invitae Variant Classification Sherloc (09022015). Collection method: clinical testing. Allele origin: germline.
Comment: This sequence change replaces glutamic acid, which is acidic and polar, with aspartic acid, which is acidic and polar, at codon 1472 of the ALK protein (p.Glu1472Asp). This variant is present in population databases (rs538459690, gnomAD 0.009%). This variant has not been reported in the literature in individuals affected with ALK-related conditions. ClinVar contains an entry for this variant (Variation ID: 133473). An algorithm developed to predict the effect of missense changes on protein structure and function outputs the following: PolyPhen-2: "Benign". The aspartic acid amino acid residue is found in multiple mammalian species, which suggests that this missense change does not adversely affect protein function. In summary, the available evidence is currently insufficient to determine the role of this variant in disease. Therefore, it has been classified as a Variant of Uncertain Significance.

Dasa
Classification: Uncertain significance. Last evaluated: 2025-11-14. Review status: criteria provided, single submitter. Criteria: DASA Assertion Criteria. Collection method: clinical testing. Allele origin: germline.
Comment: NM_004304.5(ALK):c.4416A>T (p.Glu1472Asp) is a missense variant that results in the substitution of glutamic acid with aspartic acid. Multiple computational predictions suggest no deleterious effect on the gene or gene product. The variant is present at low frequency in population datasets. Based on the available data, this variant is classified as variant of uncertain significance.

Ambry Genetics
Classification: Uncertain significance for Hereditary cancer-predisposing syndrome. Last evaluated: 2024-12-12. Review status: criteria provided, single submitter. Criteria: Ambry Variant Classification Scheme 2023. Collection method: clinical testing. Allele origin: germline.
Comment: The p.E1472D variant (also known as c.4416A>T), located in coding exon 29 of the ALK gene, results from an A to T substitution at nucleotide position 4416. The glutamic acid at codon 1472 is replaced by aspartic acid, an amino acid with highly similar properties. This amino acid position is conserved. In addition, this alteration is predicted to be tolerated by in silico analysis. Based on the available evidence, the clinical significance of this variant remains unclear.

ITMI
No classification provided. Condition: AllHighlyPenetrant. Last evaluated: 2013-09-19. Review status: no classification provided. Collection method: reference population. Allele origin: germline. Not counted in ClinVar's aggregate classification.
Comment: Please see associated publication for description of ethnicities

Literature cited by the submitters: PubMed 24728327 (cited by ITMI).

NM_004304.5(ALK):c.4416A>T (p.Glu1472Asp)

Gene: ALK (ALK receptor tyrosine kinase; minus strand). Cytogenetic location: 2p23.2.
Variant type: single nucleotide variant.
Coding change: c.4416A>T on transcript NM_004304.5 (MANE Select); coding-DNA position 4416, A replaced by T.
Protein change: p.Glu1472Asp; replaces glutamic acid 1472 with aspartic acid.
Molecular consequence: missense variant.
Genome position (GRCh38, 1-based): chr2:29,193,671, T>A on the plus strand (A>T on the coding strand, the complement: ALK is on the minus strand). VCF-style: chr2-29193671-T-A. GRCh37 (hg19) VCF-style: chr2-29416537-T-A.
Other names: c.1212A>T, p.Glu404Asp (NM_001353765.2); short protein forms E1472D, E404D.
Identifiers: ClinVar variation 133473 (VCV000133473.12), dbSNP rs538459690, ClinGen allele CA156635.